The following is an entry in ClinVar:

NM_001082971.2(DDC):c.1041+6_1041+9del

Gene: DDC (dopa decarboxylase; minus strand). Cytogenetic location: 7p12.2.
Variant type: Deletion.
Coding change: c.1041+6_1041+9del on transcript NM_001082971.2 (MANE Select); bases 6 to 9 of the intron after coding-DNA position 1041, 4 bases deleted (TGGG; older notation c.1041+6_1041+9delTGGG).
Molecular consequence: intron variant.
Genome position (GRCh38, 1-based): chr7:50,476,615-50,476,618, CCCA deleted on the plus strand (TGGG on the coding strand, the reverse complement: DDC is on the minus strand); deleting any 4 consecutive bases within chr7:50,476,615-50,476,619 gives the same sequence; the c. name uses the placement nearest the transcript's 3' end. VCF-style (leftmost placement, unchanged base first): chr7-50476614-TCCCA-T. GRCh37 (hg19) VCF-style: chr7-50544312-TCCCA-T.
Other names: c.807+6_807+9del (NM_001242888.2); c.927+6_927+9del (NM_001242886.2); c.762+6_762+9del (NM_001242889.2); c.897+6_897+9del (NM_001242887.2); c.1041+6_1041+9del (NM_000790.4).
Identifiers: ClinVar variation 2133156 (VCV002133156.4), dbSNP rs1275772429, ClinGen allele CA574299541.

ClinVar aggregate classification (germline): Uncertain significance (1 of 4 stars; one submission).

Conditions:
Deficiency of aromatic-L-amino-acid decarboxylase. Also called: AADC DEFICIENCY; DDC DEFICIENCY; DOPA DECARBOXYLASE DEFICIENCY; Aromatic L-Amino Acid Decarboxylase Deficiency; Aromatic amino acid decarboxylase deficiency. Identifiers: Orphanet 35708, MedGen C1291564, MONDO:0012084, OMIM 608643.

Submission:

Labcorp Genetics (formerly Invitae), Labcorp
Classification: Uncertain significance for Deficiency of aromatic-L-amino-acid decarboxylase. Last evaluated: 2022-05-03. Review status: criteria provided, single submitter. Criteria: Invitae Variant Classification Sherloc (09022015). Collection method: clinical testing. Allele origin: germline.
Comment: This sequence change falls in intron 11 of the DDC gene. It does not directly change the encoded amino acid sequence of the DDC protein. It affects a nucleotide within the consensus splice site. This variant is present in population databases (no rsID available, gnomAD 0.003%). In summary, the available evidence is currently insufficient to determine the role of this variant in disease. Therefore, it has been classified as a Variant of Uncertain Significance. Variants that disrupt the consensus splice site are a relatively common cause of aberrant splicing (PMID: 17576681, 9536098). Algorithms developed to predict the effect of sequence changes on RNA splicing suggest that this variant is not likely to affect RNA splicing. This variant has not been reported in the literature in individuals affected with DDC-related conditions.

Literature cited by the submitters: PubMed 17576681; PubMed 9536098.